The following is an entry in ClinVar:

ClinVar aggregate classification (germline): Uncertain significance. Review status: criteria provided, multiple submitters, no conflicts (2 of 4 stars). 3 submissions from 3 submitters: Uncertain significance (2). 1 of the submissions does not count toward it. Last evaluated 2024-11-08.

Conditions:
Inborn genetic diseases. Identifiers: MedGen C0950123, MeSH D030342.
Hyperammonemia, type III (NAGSD). Also called: Hyperammonemia due to N-acetylglutamate synthase deficiency. Identifiers: Orphanet 927, MedGen C0268543, MONDO:0009377, OMIM 237310.

Allele frequency attached by ClinVar (database versions not stated): TOPMed 0.00001.

Submissions (3):

Ambry Genetics
Classification: Uncertain significance for Inborn genetic diseases. Last evaluated: 2024-11-08. Review status: criteria provided, single submitter. Criteria: Ambry Variant Classification Scheme 2023. Collection method: clinical testing. Allele origin: germline.

GeneDx
Classification: Uncertain significance. Last evaluated: 2017-04-26. Review status: criteria provided, single submitter. Criteria: GeneDx Variant Classification (06012015). Collection method: clinical testing. Allele origin: germline. Affected: yes.
Comment: The A12P variant has not been published as a pathogenic variant, nor has it been reported as a benign variant to our knowledge. The A12P variant is not observed in large population cohorts (Lek et al., 2016; 1000 Genomes Consortium et al., 2015; Exome Variant Server). The A12P variant is a semi-conservative amino acid substitution, which may impact secondary protein structure as these residues differ in some properties. This substitution occurs at a position that is not conserved. In silico analysis is inconsistent in its predictions as to whether or not the variant is damaging to)] the protein structure/function. In summary, based on the currently available information, it is unclear whether this variant is a pathogenic variant or a rare benign variant.

Natera, Inc.
Classification: Uncertain significance for Hyperammonemia type III. Last evaluated: 2020-08-13. Review status: no assertion criteria provided. Collection method: clinical testing. Allele origin: germline. Not counted in ClinVar's aggregate classification.

NM_153006.3(NAGS):c.34G>C (p.Ala12Pro)

Gene: NAGS (N-acetylglutamate synthase; plus strand). Cytogenetic location: 17q21.31.
Variant type: single nucleotide variant.
Coding change: c.34G>C on transcript NM_153006.3 (MANE Select); coding-DNA position 34, G replaced by C.
Protein change: p.Ala12Pro; replaces alanine 12 with proline.
Molecular consequence: missense variant.
Genome position (GRCh38, 1-based): chr17:44,004,697, G>C. VCF-style: chr17-44004697-G-C. GRCh37 (hg19) VCF-style: chr17-42082065-G-C.
Other names: short protein forms A12P.
Identifiers: ClinVar variation 426209 (VCV000426209.4), dbSNP rs759453873, ClinGen allele CA290902998.